The following is an entry in ClinVar:

ClinVar aggregate classification (germline): Uncertain significance. Review status: criteria provided, multiple submitters, no conflicts (2 of 4 stars). 3 submissions from 3 submitters: Uncertain significance (3). Last evaluated 2025-01-29.

Conditions:
Thrombomodulin-related bleeding disorder (THPH12). Also called: Thrombophilia due to thrombomodulin defect. Identifiers: Orphanet 436169, MedGen C3280976, MONDO:0013775, OMIM 614486.
Atypical hemolytic-uremic syndrome with thrombomodulin anomaly. Also called: HEMOLYTIC UREMIC SYNDROME, ATYPICAL, SUSCEPTIBILITY TO, 6; AHUS, SUSCEPTIBILITY TO, 6. Identifiers: MedGen C2752036, MONDO:0013044, OMIM 612926. Disease mechanism: gain of function.
Inborn genetic diseases. Identifiers: MedGen C0950123, MeSH D030342.

Allele frequency attached by ClinVar (database versions not stated): gnomAD exomes 0.00001 and 0.00003; gnomAD 0.00002; TOPMed 0.00004.
gnomAD v4.1: 45 of 1,581,994 alleles (0.0028%); highest among the groups gnomAD compares: Non-Finnish European, 0.0037%; no homozygotes.

Submissions (3):

Labcorp Genetics (formerly Invitae), Labcorp
Classification: Uncertain significance. Last evaluated: 2025-01-29. Review status: criteria provided, single submitter. Criteria: Invitae Variant Classification Sherloc (09022015). Collection method: clinical testing. Allele origin: germline.
Comment: This sequence change replaces alanine, which is neutral and non-polar, with serine, which is neutral and polar, at codon 139 of the THBD protein (p.Ala139Ser). The frequency data for this variant in the population databases is considered unreliable, as metrics indicate poor data quality at this position in the gnomAD database. This variant has not been reported in the literature in individuals affected with THBD-related conditions. ClinVar contains an entry for this variant (Variation ID: 1485061). Invitae Evidence Modeling of protein sequence and biophysical properties (such as structural, functional, and spatial information, amino acid conservation, physicochemical variation, residue mobility, and thermodynamic stability) indicates that this missense variant is not expected to disrupt THBD protein function with a negative predictive value of 80%. In summary, the available evidence is currently insufficient to determine the role of this variant in disease. Therefore, it has been classified as a Variant of Uncertain Significance.

Ambry Genetics
Classification: Uncertain significance for Inborn genetic diseases. Last evaluated: 2024-03-19. Review status: criteria provided, single submitter. Criteria: Ambry Variant Classification Scheme 2023. Collection method: clinical testing. Allele origin: germline.

Fulgent Genetics
Classification: Uncertain significance for Atypical hemolytic-uremic syndrome with thrombomodulin anomaly; Thrombomodulin-related bleeding disorder. Last evaluated: 2024-02-29. Review status: criteria provided, single submitter. Criteria: ACMG Guidelines, 2015. Collection method: clinical testing. Allele origin: germline.

NM_000361.3(THBD):c.415G>T (p.Ala139Ser)

Gene: THBD (thrombomodulin; minus strand). Cytogenetic location: 20p11.21.
Variant type: single nucleotide variant.
Coding change: c.415G>T on transcript NM_000361.3 (MANE Select); coding-DNA position 415, G replaced by T.
Protein change: p.Ala139Ser; replaces alanine 139 with serine.
Molecular consequence: missense variant.
Genome position (GRCh38, 1-based): chr20:23,049,090, C>A on the plus strand (G>T on the coding strand, the complement: THBD is on the minus strand). VCF-style: chr20-23049090-C-A. GRCh37 (hg19) VCF-style: chr20-23029727-C-A.
Other names: c.415G>T (NM_000361.2); short protein forms A139S.
Identifiers: ClinVar variation 1485061 (VCV001485061.10), dbSNP rs982068192, ClinGen allele CA313552092.
Genomic context (GRCh38, chr20:23,049,090, plus strand): 5'-CGCACTGCTGCTCCTCCCAGATCGGCTCGCTGGGCACAGTGGCCTCAGCAGCGGAGACAG[C>A]GACGCACAACGGGCCGCAGAGGGGAGCCCCATTGAGGTCGAGCCGTGCCCACCTGCTATA-3'
Protein context (NP_000352.1, residues 129-149): GAPLCGPLCV[Ala139Ser]VSAAEATVPS